The following is an entry in ClinVar:

ClinVar aggregate classification (germline): Uncertain significance. Review status: criteria provided, multiple submitters, no conflicts (2 of 4 stars). 2 submissions from 2 submitters: Uncertain significance (2). Last evaluated 2025-02-20.

Conditions:
Developmental and epileptic encephalopathy, 34 (DEE34). Also called: Early infantile epileptic encephalopathy 34; SLC12A5-Related Epilepsy of Infancy with Migrating Focal Seizures. Identifiers: Orphanet 293181, MedGen C4225257, MONDO:0014718, OMIM 616645.

Allele frequency attached by ClinVar (database versions not stated): gnomAD exomes below 0.00001.
gnomAD v4.1: 5 of 1,614,262 alleles (0.00031%); highest among the groups gnomAD compares: Non-Finnish European, 0.00042%; no homozygotes.

Submissions (2):

Ambry Genetics
Classification: Uncertain significance. Last evaluated: 2025-02-20. Review status: criteria provided, single submitter. Criteria: Ambry Variant Classification Scheme 2023. Collection method: clinical testing. Allele origin: germline.

Labcorp Genetics (formerly Invitae), Labcorp
Classification: Uncertain significance for Developmental and epileptic encephalopathy, 34. Last evaluated: 2024-10-15. Review status: criteria provided, single submitter. Criteria: Invitae Variant Classification Sherloc (09022015). Collection method: clinical testing. Allele origin: germline.
Comment: This sequence change replaces methionine, which is neutral and non-polar, with valine, which is neutral and non-polar, at codon 230 of the SLC12A5 protein (p.Met230Val). This variant is not present in population databases (gnomAD no frequency). This variant has not been reported in the literature in individuals affected with SLC12A5-related conditions. ClinVar contains an entry for this variant (Variation ID: 1495418). Invitae Evidence Modeling of protein sequence and biophysical properties (such as structural, functional, and spatial information, amino acid conservation, physicochemical variation, residue mobility, and thermodynamic stability) indicates that this missense variant is expected to disrupt SLC12A5 protein function with a positive predictive value of 80%. In summary, the available evidence is currently insufficient to determine the role of this variant in disease. Therefore, it has been classified as a Variant of Uncertain Significance.

NM_020708.5(SLC12A5):c.688A>G (p.Met230Val)

Gene: SLC12A5 (solute carrier family 12 member 5; plus strand). Cytogenetic location: 20q13.12.
Variant type: single nucleotide variant.
Coding change: c.688A>G on transcript NM_020708.5 (MANE Select); coding-DNA position 688, A replaced by G.
Protein change: p.Met230Val; replaces methionine 230 with valine.
Molecular consequence: missense variant.
Genome position (GRCh38, 1-based): chr20:46,040,448, A>G. VCF-style: chr20-46040448-A-G. GRCh37 (hg19) VCF-style: chr20-44669087-A-G.
Other names: c.757A>G (NM_001134771.1); c.757A>G, p.Met253Val (NM_001134771.2); short protein forms M230V, M253V.
Identifiers: ClinVar variation 1495418 (VCV001495418.9), dbSNP rs2145487913, ClinGen allele CA409189766.